The following is an entry in ClinVar:

NM_005515.4(MNX1):c.981G>T (p.Glu327Asp)

Gene: MNX1 (motor neuron and pancreas homeobox 1; minus strand). Cytogenetic location: 7q36.3.
Variant type: single nucleotide variant.
Coding change: c.981G>T on transcript NM_005515.4 (MANE Select); coding-DNA position 981, G replaced by T.
Protein change: p.Glu327Asp; replaces glutamic acid 327 with aspartic acid.
Molecular consequence: missense variant.
Genome position (GRCh38, 1-based): chr7:157,005,745, C>A on the plus strand (G>T on the coding strand, the complement: MNX1 is on the minus strand). VCF-style: chr7-157005745-C-A. GRCh37 (hg19) VCF-style: chr7-156798439-C-A.
Other names: c.345G>T, p.Glu115Asp (NM_001165255.2); short protein forms E115D, E327D.
Identifiers: ClinVar variation 1997107 (VCV001997107.4), dbSNP rs764034971, ClinGen allele CA370161685.
Genomic context (GRCh38, chr7:157,005,745, plus strand): 5'-GCGGCGTCCGCTGCCCTTGTCTCCGGGCGCTGGCGGCCCCAGCAGCTCCTCGGCTCCCGG[C>A]TCCTCCGCGCCGCCCTTCCCCGCGCCCCCGCCGCCGCCCTTCTGTTTCTCCGCTTCCTGC-3'
Protein context (NP_005506.3, residues 317-337): GGGAGKGGAE[Glu327Asp]PGAEELLGPP

ClinVar aggregate classification (germline): Uncertain significance (1 of 4 stars; one submission).

Submission:

Labcorp Genetics (formerly Invitae), Labcorp
Classification: Uncertain significance. Last evaluated: 2023-08-10. Review status: criteria provided, single submitter. Criteria: Invitae Variant Classification Sherloc (09022015). Collection method: clinical testing. Allele origin: germline.
Comment: This variant is not present in population databases (gnomAD no frequency). This sequence change replaces glutamic acid, which is acidic and polar, with aspartic acid, which is acidic and polar, at codon 327 of the MNX1 protein (p.Glu327Asp). In summary, the available evidence is currently insufficient to determine the role of this variant in disease. Therefore, it has been classified as a Variant of Uncertain Significance. Advanced modeling of protein sequence and biophysical properties (such as structural, functional, and spatial information, amino acid conservation, physicochemical variation, residue mobility, and thermodynamic stability) performed at Invitae indicates that this missense variant is not expected to disrupt MNX1 protein function. ClinVar contains an entry for this variant (Variation ID: 1997107). This variant has not been reported in the literature in individuals affected with MNX1-related conditions.